The following is an entry in ClinVar:

NM_000465.4(BARD1):c.27C>T (p.Asn9=)

Gene: BARD1 (BRCA1 associated RING domain 1; minus strand). Cytogenetic location: 2q35.
Variant type: single nucleotide variant.
Coding change: c.27C>T on transcript NM_000465.4 (MANE Select); coding-DNA position 27, C replaced by T.
Protein change: p.Asn9=; no amino-acid change (asparagine 9 retained).
Molecular consequence: synonymous variant. On other transcripts: non-coding transcript variant (3).
Genome position (GRCh38, 1-based): chr2:214,809,543, G>A on the plus strand (C>T on the coding strand, the complement: BARD1 is on the minus strand). VCF-style: chr2-214809543-G-A. GRCh37 (hg19) VCF-style: chr2-215674267-G-A.
Other names: c.27C>T, p.Asn9= (NM_001282543.2, NM_001282545.2, NM_001282548.2 and 1 more transcripts).
Identifiers: ClinVar variation 414110 (VCV000414110.18), dbSNP rs1038616344, ClinGen allele CA16610761.
Genomic context (GRCh38, chr2:214,809,543, plus strand): 5'-ATCCGGTTCCATGGCGGGCGCGGAACGAGGCTCGTTCCCGGAGCGGATCCTCGGCTGCCG[G>A]TTCCTCGGCTGCCGATTATCCGGCATCGTCCCGCCTTCGGATGAAAGGCTCCTCGCAGAG-3'
Protein context (NP_000456.2, residues 1-19): MPDNRQPR[Asn9=]RQPRIRSGNE

ClinVar aggregate classification (germline): Benign/Likely benign. Review status: criteria provided, multiple submitters, no conflicts (2 of 4 stars). 3 submissions from 3 submitters: Benign (1); Likely benign (2). Last evaluated 2024-08-04.

Conditions:
Familial cancer of breast. Also called: Hereditary breast cancer; hereditary breast carcinoma; BREAST CANCER, FAMILIAL. Identifiers: Orphanet 227535, MedGen C0346153, MONDO:0016419, OMIM 114480. Disease mechanism: loss of function.
Hereditary cancer-predisposing syndrome. Also called: Neoplastic Syndromes, Hereditary; Tumor predisposition; Hereditary Cancer Syndrome; Hereditary neoplastic syndrome. Identifiers: Orphanet 140162, MedGen C0027672, MeSH D009386, MONDO:0015356.

Allele frequency attached by ClinVar (database versions not stated): gnomAD 0.00001; TOPMed 0.00001.
gnomAD v4.1: 1 of 1,573,618 alleles (0.000064%); highest among the groups gnomAD compares: African/African-American, 0.0014%; no homozygotes.

Submissions (3):

Labcorp Genetics (formerly Invitae), Labcorp
Classification: Likely benign for Familial cancer of breast. Last evaluated: 2024-08-04. Review status: criteria provided, single submitter. Criteria: Invitae Variant Classification Sherloc (09022015). Collection method: clinical testing. Allele origin: germline.

Myriad Genetics, Inc.
Classification: Benign for Familial cancer of breast. Last evaluated: 2024-07-18. Review status: criteria provided, single submitter. Criteria: Myriad Autosomal Dominant, Autosomal Recessive and X-Linked Classification Criteria (2023). Collection method: clinical testing. Allele origin: unknown.
Comment: This variant is considered benign. This variant is a silent/synonymous amino acid change and it is not expected to impact splicing.

Ambry Genetics
Classification: Likely benign for Hereditary cancer-predisposing syndrome. Last evaluated: 2016-06-18. Review status: criteria provided, single submitter. Criteria: Ambry Variant Classification Scheme 2023. Collection method: clinical testing. Allele origin: germline.